The following continues an entry in ClinVar:

NM_000059.4(BRCA2):c.9875C>T (p.Pro3292Leu)

Gene: BRCA2. ClinVar aggregate classification (germline): Benign. Benign (1).

Submissions 14 to 27 of 27:

ARUP Laboratories, Molecular Genetics and Genomics, ARUP Laboratories
Classification: Uncertain significance. Last evaluated: 2017-11-14. Review status: criteria provided, single submitter. Criteria: ARUP Molecular Germline Variant Investigation Process. Collection method: clinical testing. Allele origin: germline. Not counted in ClinVar's aggregate classification.
Comment: The BRCA2 c.9875C>T; p.Pro3292Leu variant is described in the medical literature in individuals and families with breast cancer (Borg 2010, Francies 2015, Riahi 2015, Chao2016). However, the variant was also published in an individual with Fanconi anemia who also carried two nonsense variants in the FANCC gene (Nicchia 2015). The variant is listed in the ClinVar database as both a variant of uncertain significance and as likely benign/benign (Variation ID: 52910). The variant is listed in the dbSNP variant database (rs56121817) and in the Genome Aggregation Database in 20/245936 alleles. The proline at this position is conserved across species and computational algorithms (PolyPhen2, SIFT) predict this variant is deleterious. While in silico studies imply this variant may impact function (Tram 2013) functional studies show that this variant has no effect on at least some functions (Eashi 2005, Hucl 2008). Considering available information, this variant cannot be classified with certainty. References: Borg A et al. Characterization of BRCA1 and BRCA2 deleterious mutations and variants of unknown clinical significance in unilateral and bilateral breast cancer: the WECARE study. Hum Mutat. 2010 Mar;31(3):E1200-40. Chao A et al. Prevalence and clinical significance of BRCA1/2 germline and somatic mutations in Taiwanese patients with ovarian cancer. Oncotarget. 2016 Dec 20;7(51):85529-85541. Esashi F et al. CDK-dependent phosphorylation of BRCA2 as a regulatory mechanism for recombinational repair. Nature. 2005 Mar 31;434(7033):598-604. Francies FZ et al. BRCA1, BRCA2 and PALB2 mutations and CHEK2 c.1100delC in different South African ethnic groups diagnosed with premenopausal and/or triple negative breast cancer. BMC Cancer. 2015 Nov 17;15:912. Hucl T et al. A syngeneic variance library for functional annotation of human variation: application to BRCA2. Cancer Res. 2008 Jul 1;68(13):5023-30. Nicchia E et al. Identification of point mutations and large intragenic deletions in Fanconi anemia using next-generation sequencing technology. Mol Genet Genomic Med. 2015 Jul 2;3(6):500-12. Riahi A et al. Mutation spectrum and prevalence of BRCA1 and BRCA2 genes in patients with familial and early-onset breast/ovarian cancer from Tunisia. Clin Genet. 2015 Feb;87(2):155-60. Tram E et al. Missense variants of uncertain significance (VUS) altering the phosphorylation patterns of BRCA1 and BRCA2. PLoS One. 2013 May 21;8(5):e62468.

Illumina Laboratory Services, Illumina
Classification: Likely benign for Breast-ovarian cancer, familial, susceptibility to, 2. Last evaluated: 2017-04-27. Review status: criteria provided, single submitter. Criteria: ICSL Variant Classification Criteria 13 December 2019. Collection method: clinical testing. Allele origin: germline. Not counted in ClinVar's aggregate classification.
Comment: This variant was observed as part of a predisposition screen in an ostensibly healthy population. A literature search was performed for the gene, cDNA change, and amino acid change (where applicable). Publications were found based on this search. The evidence from the literature, in combination with allele frequency data from public databases where available, was sufficient to determine this variant is unlikely to cause disease. Therefore, this variant is classified as likely benign.

Illumina Laboratory Services, Illumina
Classification: Likely benign for Fanconi anemia complementation group D1. Last evaluated: 2017-04-27. Review status: criteria provided, single submitter. Criteria: ICSL Variant Classification Criteria 13 December 2019. Collection method: clinical testing. Allele origin: germline. Not counted in ClinVar's aggregate classification.
Comment: the same text as in the submission from Illumina Laboratory Services, Illumina above.

Center for Pediatric Genomic Medicine, Children's Mercy Hospital and Clinics
Classification: Uncertain significance. Last evaluated: 2017-03-29. Review status: criteria provided, single submitter. Criteria: ACMG Guidelines, 2015. Collection method: clinical testing. Allele origin: germline. Not counted in ClinVar's aggregate classification.

Laboratory for Molecular Medicine, Mass General Brigham Personalized Medicine
Classification: Uncertain significance. Last evaluated: 2016-10-20. Review status: criteria provided, single submitter. Criteria: LMM Criteria. Collection method: clinical testing. Allele origin: germline. Not counted in ClinVar's aggregate classification.
Comment: Variant identified in a genome or exome case(s) and assessed due to predicted null impact of the variant or pathogenic assertions in the literature or databases. Disclaimer: This variant has not undergone full assessment. The following are preliminary notes: Reported in 1 Br.Ca. ClinVar: 4 VUS, 2 LB

Color Diagnostics, LLC DBA Color Health
Classification: Benign for Hereditary cancer-predisposing syndrome. Last evaluated: 2016-05-30. Review status: criteria provided, single submitter. Criteria: ACMG Guidelines, 2015. Collection method: clinical testing. Allele origin: germline. Not counted in ClinVar's aggregate classification.

Molecular Genetics Laboratory, University of Michigan
Classification: Likely benign for Breast-ovarian cancer, familial, susceptibility to, 2. Last evaluated: 2016-04-21. Review status: criteria provided, single submitter. Criteria: ACMG Guidelines, 2015. Collection method: clinical testing. Allele origin: germline. Affected: yes. Not counted in ClinVar's aggregate classification.

Eurofins Ntd Llc (ga)
Classification: Uncertain significance. Last evaluated: 2014-12-23. Review status: criteria provided, single submitter. Criteria: EGL Classification Definitions 2015. Collection method: clinical testing. Allele origin: germline. Observed: 1 variant allele, 1 heterozygote. Not counted in ClinVar's aggregate classification.

Department of Medical and Surgical Sciences, University of Bologna
Classification: Benign for Breast-ovarian cancer, familial, susceptibility to, 2. Last evaluated: 2023-09-01. Review status: no assertion criteria provided. Collection method: clinical testing. Allele origin: germline. Affected: yes. Not counted in ClinVar's aggregate classification.
Comment: BS1(Strong)+BS3(Strong)+BP1(Strong)+BP5(Very Strong) according to ACMG/AMP classification guidelines specified for BRCA1 & BRCA2 (Classification Criteria V1.0.0 2023-09-08) (PMID: 38160042)

BRCAlab, Lund University
Classification: Benign for Breast-ovarian cancer, familial, susceptibility to, 2. Last evaluated: 2020-03-02. Review status: no assertion criteria provided. Collection method: clinical testing. Allele origin: germline. Affected: yes. Not counted in ClinVar's aggregate classification.

Sharing Clinical Reports Project (SCRP)
Classification: Likely benign for Breast-ovarian cancer, familial 2. Last evaluated: 2008-06-05. Review status: no assertion criteria provided. Collection method: clinical testing. Allele origin: germline. Not counted in ClinVar's aggregate classification.

Breast Cancer Information Core (BIC) (BRCA2)
Classification: Uncertain significance for Breast-ovarian cancer, familial 2. Last evaluated: 2002-05-29. Review status: no assertion criteria provided. Collection method: clinical testing. Allele origin: germline. Affected: yes. Observed: 7 variant alleles. Not counted in ClinVar's aggregate classification.

Center for Precision Medicine, Meizhou People's Hospital
Classification: Uncertain significance for Familial cancer of breast. Review status: no assertion criteria provided. Collection method: literature only. Allele origin: germline. Affected: yes. Not counted in ClinVar's aggregate classification.

Department of Pathology and Laboratory Medicine, Sinai Health System
Classification: Likely benign for Malignant tumor of breast. Review status: no assertion criteria provided. Collection method: clinical testing. Allele origin: unknown. Affected: yes. Study: The Canadian Open Genetics Repository (COGR). Not counted in ClinVar's aggregate classification.
Comment: The BRCA2 p.Pro3292Leu variant was identified in 6 of 7398 proband chromosomes (frequency: 0.0008) from individuals or families with breast, ovarian or pancreatic cancer and was not identified in 874 control chromosomes from healthy individuals (Borg 2010, Capanu 2011, Francies 2015, Riahi 2015, Takeuchi 2018). The variant was also identified in dbSNP (ID: rs56121817) as "With other allele", ClinVar (classified as benign by Invitae; as likely benign by GeneDx, SCRP and three other submitters; as uncertain significance by six submitters), LOVD 3.0 (8x), and in UMD-LSDB (14X as unclassified variant). The variant was identified in control databases in 20 of 245936 chromosomes at a frequency of 0.00008 increasing the likelihood this could be a low frequency benign variant (Genome Aggregation Database Feb 27, 2017). The variant was observed in the following populations: Other in 2 of 5478 chromosomes (freq: 0.0004), Latino in 2 of 33562 chromosomes (freq: 0.00006), European in 6 of 111458 chromosomes (freq: 0.00005), Ashkenazi Jewish in 1 of 9844 chromosomes (freq: 0.0001), East Asian in 9 of 17246 chromosomes (freq: 0.0005), while the variant was not observed in the African, Finnish, and South Asian populations. In function studies Huci et al found that the p.Pro3292Leu variant was not sensitive to mitomycin C and etoposide induced DNA damage compared to wildtype unlike a truncating variant that was studied, moreover BRCA2/RAD51 foci formed normally with the variant present suggesting that the variant does not have clinical significance (Huci 2008). However, based on the location of the variant it is predicted to disrupt the sequence motif of the CDK2 kinase and affects interaction with RAD51 (Krassowski 2018, Tram 2013). Although the p.Pro3292 residue is not conserved in mammals and other organisms, computational analyses (PolyPhen-2, SIFT, AlignGVGD, BLOSUM, MutationTaster) suggest that the variant may impact the protein. The variant occurs outside of the splicing consensus sequence and in silico or computational prediction software programs (SpliceSiteFinder, MaxEntScan, NNSPLICE, GeneSplicer) do not predict a difference in splicing. In summary, based on the above information the clinical significance of this variant cannot be determined with certainty at this time although we would lean towards a more benign role for this variant. This variant is classified as likely benign.

Literature cited by the submitters: PubMed 31131967 (cited by Evidence-based Network for the Interpretation of Germline Mutant Alleles (ENIGMA) and Quest Diagnostics Nichols Institute San Juan Capistrano); PubMed 26740942 (cited by 5 submitters); PubMed 26577449 (cited by 4 submitters); PubMed 24372583 (cited by 5 submitters); PubMed 30287823 (cited by Quest Diagnostics Nichols Institute San Juan Capistrano and Sema4); PubMed 30199306 (cited by Quest Diagnostics Nichols Institute San Juan Capistrano and Women's Health and Genetics/Laboratory Corporation of America, LabCorp); PubMed 28477318 (cited by 4 submitters); PubMed 29802286 (cited by 5 submitters); PubMed 30400234 (cited by 4 submitters); PubMed 33471991 (cited by Quest Diagnostics Nichols Institute San Juan Capistrano and Sema4); PubMed 32906206 (cited by Quest Diagnostics Nichols Institute San Juan Capistrano and Sema4); PubMed 29126202 (cited by 4 submitters); PubMed 32467295 (cited by Quest Diagnostics Nichols Institute San Juan Capistrano); PubMed 31825140 (cited by Quest Diagnostics Nichols Institute San Juan Capistrano); PubMed 33731496 (cited by Quest Diagnostics Nichols Institute San Juan Capistrano); PubMed 33970096 (cited by Quest Diagnostics Nichols Institute San Juan Capistrano); PubMed 34218100 (cited by Quest Diagnostics Nichols Institute San Juan Capistrano); PubMed 32444794 (cited by Quest Diagnostics Nichols Institute San Juan Capistrano); PubMed 33067490 (cited by Quest Diagnostics Nichols Institute San Juan Capistrano); PubMed 27907908 (cited by 3 submitters); PubMed 18593900 (cited by 5 submitters); PubMed 23704879 (cited by 4 submitters); PubMed 15800615 (cited by 3 submitters); PubMed 19540122 (cited by 3 submitters); PubMed 20104584 (cited by 5 submitters); PubMed 29192238 (cited by Quest Diagnostics Nichols Institute San Juan Capistrano); PubMed 26295337 (cited by Quest Diagnostics Nichols Institute San Juan Capistrano); DOI 10.3389/fgene.2022.834265 (cited by National Health Laboratory Service, Universitas Academic Hospital and University of the Free State); PubMed 21520273 (cited by 3 submitters); PubMed 24323938 (cited by 3 submitters); PubMed 28814288 (cited by Ambry Genetics and Center for Precision Medicine, Meizhou People's Hospital); PubMed 17087817 (cited by Women's Health and Genetics/Laboratory Corporation of America, LabCorp); PubMed 27498913 (cited by Women's Health and Genetics/Laboratory Corporation of America, LabCorp); PubMed 35464868 (cited by Center for Precision Medicine, Meizhou People's Hospital).